The following is an entry in ClinVar:

ClinVar aggregate classification (germline): Uncertain significance (1 of 4 stars; one submission).

gnomAD v4.1: 29 of 1,614,024 alleles (0.0018%); highest among the groups gnomAD compares: Non-Finnish European, 0.0024%; no homozygotes.

Submission:

Athena Diagnostics
Classification: Uncertain significance. Last evaluated: 2024-04-12. Review status: criteria provided, single submitter. Criteria: Athena Diagnostics Criteria. Collection method: clinical testing. Allele origin: unknown.
Comment: Available data are insufficient to determine the clinical significance of the variant at this time. The frequency of this variant in the general population is uninformative in assessment of its pathogenicity. Computational tools predict that this variant is not damaging.

NM_182961.4(SYNE1):c.14296A>G (p.Thr4766Ala)

Gene: SYNE1 (spectrin repeat containing nuclear envelope protein 1; minus strand). Cytogenetic location: 6q25.2.
Variant type: single nucleotide variant.
Coding change: c.14296A>G on transcript NM_182961.4 (MANE Select); coding-DNA position 14296, A replaced by G.
Protein change: p.Thr4766Ala; replaces threonine 4766 with alanine.
Molecular consequence: missense variant.
Genome position (GRCh38, 1-based): chr6:152,330,389, T>C on the plus strand (A>G on the coding strand, the complement: SYNE1 is on the minus strand). VCF-style: chr6-152330389-T-C. GRCh37 (hg19) VCF-style: chr6-152651524-T-C.
Other names: c.14083A>G, p.Thr4695Ala (NM_033071.5); short protein forms T4695A, T4766A.
Identifiers: ClinVar variation 3571949 (VCV003571949.1).
Genomic context (GRCh38, chr6:152,330,389, plus strand): 5'-TCTTCTCGTGTTCTTGGTAAGCACTGGTGGTGTCTTCTAATAAGCTAACCCTCTGTTCTG[T>C]TTGTCGCTTCAGCCTGTGATATAAGGTGACAAGGTGCAGCATCTTGTCTGGCTGCCAAGG-3'
Protein context (NP_892006.3, residues 4756-4776): VTLYHRLKRQ[Thr4766Ala]EQRVSLLEDT